The following is an entry in ClinVar:

NM_001367624.2(ZNF469):c.1787C>T (p.Pro596Leu)

Gene: ZNF469 (zinc finger protein 469; plus strand). Cytogenetic location: 16q24.2.
Variant type: single nucleotide variant.
Coding change: c.1787C>T on transcript NM_001367624.2 (MANE Select); coding-DNA position 1787, C replaced by T.
Protein change: p.Pro596Leu; replaces proline 596 with leucine.
Molecular consequence: missense variant.
Genome position (GRCh38, 1-based): chr16:88,429,257, C>T. VCF-style: chr16-88429257-C-T. GRCh37 (hg19) VCF-style: chr16-88495665-C-T.
Other names: NM_001127464.1:c.1787C>T; short protein forms P596L.
Identifiers: ClinVar variation 1624549 (VCV001624549.12), dbSNP rs756276800, ClinGen allele CA8224709.

ClinVar aggregate classification (germline): Conflicting classifications of pathogenicity. Review status: criteria provided, conflicting classifications (1 of 4 stars). 4 submissions from 4 submitters: Uncertain significance (1); Likely benign (3). Last evaluated 2026-05-15.

Conditions:
Cardiovascular phenotype. Identifiers: MedGen CN230736.

Allele frequency attached by ClinVar (database versions not stated): gnomAD 0.00004 and 0.00005; gnomAD exomes 0.00008 and 0.00018; TOPMed 0.00010; ExAC 0.00042.
gnomAD v4.1: 128 of 1,549,710 alleles (0.0083%); highest among the groups gnomAD compares: Middle Eastern, 0.017%; no homozygotes.

Submissions (4):

GeneDx
Classification: Uncertain significance. Last evaluated: 2026-05-15. Review status: criteria provided, single submitter. Criteria: GeneDx Variant Classification Process June 2021. Collection method: clinical testing. Allele origin: germline.
Comment: In silico analysis supports that this missense variant has a deleterious effect on protein structure/function; Has not been previously published as pathogenic or benign to our knowledge

Labcorp Genetics (formerly Invitae), Labcorp
Classification: Likely benign. Last evaluated: 2026-01-09. Review status: criteria provided, single submitter. Criteria: Invitae Variant Classification Sherloc (09022015). Collection method: clinical testing. Allele origin: germline.

Women's Health and Genetics/Laboratory Corporation of America, LabCorp
Classification: Likely benign. Last evaluated: 2025-06-26. Review status: criteria provided, single submitter. Criteria: LabCorp Variant Classification Summary - May 2015. Collection method: clinical testing. Allele origin: germline.
Comment: Variant summary: ZNF469 c.1787C>T (p.Pro596Leu) results in a non-conservative amino acid change in the encoded protein sequence. Algorithms developed to predict the effect of missense changes on protein structure and function are either unavailable or do not agree on the potential impact of this missense change. The variant allele was found at a frequency of 8.3e-05 in 1549710 control chromosomes, predominantly at a frequency of 0.0025 within the Ashkenazi Jewish subpopulation in the gnomAD database (v4). The observed variant frequency within Ashkenazi Jewish control individuals in the gnomAD database exceeds the estimated maximal expected allele frequency for a pathogenic variant in ZNF469 causing Brittle cornea syndrome 1 phenotype. To our knowledge, no occurrence of c.1787C>T in individuals affected with Brittle cornea syndrome 1 and no experimental evidence demonstrating its impact on protein function have been reported. ClinVar contains an entry for this variant (Variation ID: 1624549). Based on the evidence outlined above, the variant was classified as likely benign.

Ambry Genetics
Classification: Likely benign for Cardiovascular phenotype. Last evaluated: 2024-11-25. Review status: criteria provided, single submitter. Criteria: Ambry Variant Classification Scheme 2023. Collection method: clinical testing. Allele origin: germline.